The following is an entry in ClinVar:

NM_201384.3(PLEC):c.3124C>T (p.Arg1042Trp)

Gene: PLEC (plectin; minus strand). Cytogenetic location: 8q24.3.
Variant type: single nucleotide variant.
Coding change: c.3124C>T on transcript NM_201384.3 (MANE Select); coding-DNA position 3124, C replaced by T.
Protein change: p.Arg1042Trp; replaces arginine 1042 with tryptophan.
Molecular consequence: missense variant.
Genome position (GRCh38, 1-based): chr8:143,929,239, G>A on the plus strand (C>T on the coding strand, the complement: PLEC is on the minus strand). VCF-style: chr8-143929239-G-A. GRCh37 (hg19) VCF-style: chr8-145003407-G-A.
Other names: c.3205C>T, p.Arg1069Trp (NM_000445.5); c.3082C>T, p.Arg1028Trp (NM_201378.4); c.3058C>T, p.Arg1020Trp (NM_201379.3); c.3535C>T, p.Arg1179Trp (NM_201380.4); c.3028C>T, p.Arg1010Trp (NM_201381.3); c.3124C>T, p.Arg1042Trp (NM_201382.4); c.3136C>T, p.Arg1046Trp (NM_201383.3); short protein forms R1010W, R1020W, R1028W, R1042W, R1046W, R1069W, R1179W.
Identifiers: ClinVar variation 444766 (VCV000444766.48), dbSNP rs367740468, ClinGen allele CA4927198.
Genomic context (GRCh38, chr8:143,929,239, plus strand): 5'-TGGGGGCCGCAGGCGATGGCTCTGGTAGGGCCAAGACCTTCTCGGCCTCGGCAGAGAGCC[G>A]GGCGACCCCCTTGCCCAGCCCCTCCACCTCTGCCTGTGCCTTCTGCAAAGACAGGGAGTG-3'
Protein context (NP_958786.1, residues 1032-1052): EVEGLGKGVA[Arg1042Trp]LSAEAEKVLA

ClinVar aggregate classification (germline): Uncertain significance. Review status: criteria provided, multiple submitters, no conflicts (2 of 4 stars). 3 submissions from 3 submitters: Uncertain significance (3). Last evaluated 2024-01-03.

Conditions:
Autosomal recessive limb-girdle muscular dystrophy type 2Q (LGMDR17). Also called: MUSCULAR DYSTROPHY, LIMB-GIRDLE, AUTOSOMAL RECESSIVE 17. Identifiers: Orphanet 254361, MedGen C3150989, MONDO:0013390, OMIM 613723.
Epidermolysis bullosa simplex 5B, with muscular dystrophy (EBS5B). Also called: Epidermolysis bullosa simplex with muscular dystrophy; EPIDERMOLYSIS BULLOSA SIMPLEX AND LIMB-GIRDLE MUSCULAR DYSTROPHY. Identifiers: Orphanet 257, MedGen C2931072, MONDO:0009181, OMIM 226670.
Epidermolysis bullosa simplex, Ogna type (EBS5A). Also called: Pidermolysis bullosa simplex 5A, Ogna type; EPIDERMOLYSIS BULLOSA SIMPLEX 5A, OGNA TYPE. Identifiers: Orphanet 79401, MedGen C0432317, MONDO:0007555, OMIM 131950.
Epidermolysis bullosa simplex 5C, with pyloric atresia (EBS5C). Also called: PLEC-Related Epidermolysis Bullosa with Pyloric Atresia; Epidermolysis bullosa simplex with pyloric atresia; PLEC1-Related Epidermolysis Bullosa with Pyloric Atresia. Identifiers: Orphanet 158684, MedGen C2677349, MONDO:0012807, OMIM 612138.
Epidermolysis bullosa simplex with nail dystrophy (EBS5D). Identifiers: MedGen C4225309, MONDO:0014661, OMIM 616487.

Allele frequency attached by ClinVar (database versions not stated): gnomAD exomes 0.00001; TOPMed 0.00002; ExAC 0.00003; gnomAD 0.00003; ESP Exome Variant Server 0.00008.
gnomAD v4.1: 19 of 1,602,092 alleles (0.0012%); highest among the groups gnomAD compares: South Asian, 0.0033%; no homozygotes.

Submissions (3):

Labcorp Genetics (formerly Invitae), Labcorp
Classification: Uncertain significance for Autosomal recessive limb-girdle muscular dystrophy type 2Q; Epidermolysis bullosa simplex, Ogna type; Epidermolysis bullosa simplex with nail dystrophy; Epidermolysis bullosa simplex 5C, with pyloric atresia; Epidermolysis bullosa simplex 5B, with muscular dystrophy. Last evaluated: 2024-01-03. Review status: criteria provided, single submitter. Criteria: Invitae Variant Classification Sherloc (09022015). Collection method: clinical testing. Allele origin: germline.
Comment: This sequence change replaces arginine, which is basic and polar, with tryptophan, which is neutral and slightly polar, at codon 1069 of the PLEC protein (p.Arg1069Trp). The frequency data for this variant in the population databases is considered unreliable, as metrics indicate poor data quality at this position in the gnomAD database. This variant has not been reported in the literature in individuals affected with PLEC-related conditions. ClinVar contains an entry for this variant (Variation ID: 444766). Advanced modeling of protein sequence and biophysical properties (such as structural, functional, and spatial information, amino acid conservation, physicochemical variation, residue mobility, and thermodynamic stability) performed at Invitae indicates that this missense variant is not expected to disrupt PLEC protein function with a negative predictive value of 80%. In summary, the available evidence is currently insufficient to determine the role of this variant in disease. Therefore, it has been classified as a Variant of Uncertain Significance.

CeGaT Center for Human Genetics Tuebingen
Classification: Uncertain significance. Last evaluated: 2017-05-01. Review status: criteria provided, single submitter. Criteria: CeGaT Center For Human Genetics Tuebingen Variant Classification Criteria Version 2. Collection method: clinical testing. Allele origin: germline. Affected: yes. Observed: 1 variant allele.

Breakthrough Genomics
Classification: Uncertain significance. Review status: criteria provided, single submitter. Criteria: ACMG Guidelines, 2015. Collection method: not provided. Allele origin: germline. Inheritance: Autosomal recessive inheritance. Affected: yes.